The following is an entry in ClinVar:

NM_001127511.3(APC):c.59C>G (p.Ser20Ter)

Gene: APC (APC regulator of Wnt signaling pathway; plus strand). Cytogenetic location: 5q22.2.
Variant type: single nucleotide variant.
Coding change: c.59C>G on transcript NM_001127511.3; coding-DNA position 59, C replaced by G.
Protein change: p.Ser20Ter; replaces serine 20 with a stop codon.
Molecular consequence: nonsense. On other transcripts: 5 prime UTR variant (8), non-coding transcript variant (1), intron variant (5).
Genome position (GRCh38, 1-based): chr5:112,707,776, C>G. VCF-style: chr5-112707776-C-G. GRCh37 (hg19) VCF-style: chr5-112043473-C-G.
Other names: c.-125C>G (NM_001354895.2, NM_001407447.1, NM_001407452.1 and 3 more transcripts); c.59C>G, p.Ser20Ter (NM_001354897.2, NM_001354902.2, NM_001407446.1); c.-1160C>G (NM_001407470.1, NM_001407472.1); c.-19+127C>G (NM_001407448.1, NM_001407450.1, NM_001407457.1 and 1 more transcripts); c.-43+127C>G (NM_001407453.1); short protein forms S20*.
Identifiers: ClinVar variation 1055312 (VCV001055312.9), dbSNP rs1750607093, ClinGen allele CA360611810.

ClinVar aggregate classification (germline): Uncertain significance (1 of 4 stars; one submission).

Conditions:
Familial adenomatous polyposis 1 (FAP1). Also called: FAMILIAL ADENOMATOUS POLYPOSIS 1, ATTENUATED; POLYPOSIS, ADENOMATOUS INTESTINAL. Identifiers: MedGen C2713442, MONDO:0021056, OMIM 175100. Disease mechanism: loss of function.

Submission:

Labcorp Genetics (formerly Invitae), Labcorp
Classification: Uncertain significance for Familial adenomatous polyposis 1. Last evaluated: 2020-04-10. Review status: criteria provided, single submitter. Criteria: Invitae Variant Classification Sherloc (09022015). Collection method: clinical testing. Allele origin: germline.
Comment: This variant occurs in a non-coding region of the APC gene. It does not change the encoded amino acid sequence of the APC protein. The frequency data for this variant in the population databases is considered unreliable, as metrics indicate insufficient coverage at this position in the ExAC database. This variant has not been reported in the literature in individuals with APC-related conditions. Experimental studies and prediction algorithms are not available for this variant, and the functional significance of this non-coding change is currently unknown. In summary, the available evidence is currently insufficient to determine the role of this variant in disease. Therefore, it has been classified as a Variant of Uncertain Significance.